The following is an entry in ClinVar:

ClinVar aggregate classification (germline): Pathogenic. Review status: criteria provided, single submitter (1 of 4 stars). 2 submissions from 2 submitters: Pathogenic (1). 1 of the submissions does not count toward it. Last evaluated 2019-11-19.

Conditions:
Kabuki syndrome 1 (KABUK1). Also called: KMT2D-Related Kabuki Syndrome. Identifiers: Orphanet 2322, MedGen CN030661, MONDO:0007843, OMIM 147920.

Submissions (2):

HudsonAlpha Institute for Biotechnology
Classification: Pathogenic for Kabuki syndrome 1. Last evaluated: 2019-11-19. Review status: criteria provided, single submitter. Criteria: ACMG Guidelines, 2015. Collection method: research. Allele origin: de novo. Affected: yes. Observed: 1 variant allele. Study: CSER-SouthSeq.
Comment: ACMG codes: PVS1, PS2, PS4M, PM2

Autoinflammatory diseases unit, CHU de Montpellier
Classification: Pathogenic for Kabuki syndrome 1. Last evaluated: 2014-01-30. Review status: no assertion criteria provided. Collection method: clinical testing. Allele origin: paternal. Affected: yes. Not counted in ClinVar's aggregate classification.

NM_003482.4(KMT2D):c.166C>T (p.Gln56Ter)

Gene: KMT2D (lysine methyltransferase 2D; minus strand). Cytogenetic location: 12q13.12.
Variant type: single nucleotide variant.
Coding change: c.166C>T on transcript NM_003482.4 (MANE Select); coding-DNA position 166, C replaced by T.
Protein change: p.Gln56Ter; replaces glutamine 56 with a stop codon.
Molecular consequence: nonsense.
Genome position (GRCh38, 1-based): chr12:49,054,910, G>A on the plus strand (C>T on the coding strand, the complement: KMT2D is on the minus strand). VCF-style: chr12-49054910-G-A. GRCh37 (hg19) VCF-style: chr12-49448693-G-A.
Other names: short protein forms Q56*.
Identifiers: ClinVar variation 829800 (VCV000829800.3), dbSNP rs1592162790, ClinGen allele CA384689736.